The following is an entry in ClinVar:

ClinVar aggregate classification (germline): Pathogenic. Review status: reviewed by expert panel (3 of 4 stars). 5 submissions from 5 submitters: Pathogenic (1). 4 of the submissions do not count toward it. Last evaluated 2017-12-15.

Conditions:
Breast neoplasm. Also called: Neoplasm of breast; Breast tumor; Neoplasm of the breast; Breast Neoplasms. Identifiers: MedGen C1458155, MeSH D001943, MONDO:0021100, HP:0100013. Disease mechanism: gain of function.
Hereditary breast ovarian cancer syndrome. Also called: Hereditary breast and ovarian cancer; Hereditary breast and/or ovarian cancer syndrome; Hereditary breast and ovarian cancer syndrome (HBOC); Breast and ovarian cancer; BRCA1- and BRCA2-Associated Hereditary Breast and Ovarian Cancer; Hereditary breast and ovarian cancer syndrome. Identifiers: Orphanet 145, MedGen C0677776, MeSH D061325, MONDO:0003582. Disease mechanism: loss of function.
Hereditary cancer-predisposing syndrome. Also called: Tumor predisposition; Hereditary Cancer Syndrome; Hereditary neoplastic syndrome; Neoplastic Syndromes, Hereditary. Identifiers: Orphanet 140162, MedGen C0027672, MeSH D009386, MONDO:0015356.
Breast-ovarian cancer, familial, susceptibility to, 2 (BROVCA2). Also called: BRCA2 Hereditary Breast and Ovarian Cancer. Identifiers: Orphanet 145, MedGen C2675520, MONDO:0012933, OMIM 612555. Disease mechanism: loss of function.

Submissions (5):

Evidence-based Network for the Interpretation of Germline Mutant Alleles (ENIGMA)
Classification: Pathogenic for Breast-ovarian cancer, familial, susceptibility to, 2. Last evaluated: 2017-12-15. Review status: reviewed by expert panel. Criteria: ENIGMA BRCA1/2 Classification Criteria (2017-06-29). Collection method: curation. Allele origin: germline. Study: ENIGMA.
Comment: Variant allele predicted to encode a truncated non-functional protein.

Molecular Diagnostics Laboratory, Catalan Institute of Oncology
Classification: Pathogenic for Hereditary cancer-predisposing syndrome. Last evaluated: 2025-04-15. Review status: criteria provided, single submitter. Criteria: ClinGen BRCA1BRCA2 ACMG Specifications BRCA2 V1.0.0. Collection method: clinical testing. Allele origin: germline. Not counted in ClinVar's aggregate classification.
Comment: PVS1, PM2_supporting, PM5_PTC_strong c.6550C>T, located in exon 11 of the BRCA2 gene, is a nonsense variant expected to result in loss of function by premature protein truncation and nonsense-mediated mRNA decay (PVS1, PM5_PTC_strong). It is not present in the population database gnomAD v2.1.1, non cancer dataset (PM2_supporting). The SpliceAI algorithm predicts no significant impact on splicing. To our knowledge, neither multifactorial analysis nor well-stablished functional studies have been reported for this variant. It has been reported in ClinVar (3x P, 1x VUS), LOVD (1x P, 1x VUS), BRCA Exchange. Based on the currently available information, c.6550C>T is classified as a pathogenic variant according to ClinGen-BRCA2 Guidelines version 1.

Ambry Genetics
Classification: Pathogenic for Hereditary cancer-predisposing syndrome. Last evaluated: 2024-01-30. Review status: criteria provided, single submitter. Criteria: Ambry Variant Classification Scheme 2023. Collection method: clinical testing. Allele origin: germline. Not counted in ClinVar's aggregate classification.
Comment: The p.Q2184* pathogenic mutation (also known as c.6550C>T), located in coding exon 10 of the BRCA2 gene, results from a C to T substitution at nucleotide position 6550. This changes the amino acid from a glutamine to a stop codon within coding exon 10. This alteration was observed in an individual undergoing BRCA1/2 genetic testing based on personal and/or family history of breast and/or ovarian cancer (Lang GT et al. Int J Cancer, 2017 Jul;141:129-142). This variant is considered to be rare based on population cohorts in the Genome Aggregation Database (gnomAD). In addition to the clinical data presented in the literature, this alteration is expected to result in loss of function by premature protein truncation or nonsense-mediated mRNA decay. As such, this alteration is interpreted as a disease-causing mutation.

Labcorp Genetics (formerly Invitae), Labcorp
Classification: Pathogenic for Hereditary breast ovarian cancer syndrome. Last evaluated: 2020-09-25. Review status: criteria provided, single submitter. Criteria: Invitae Variant Classification Sherloc (09022015). Collection method: clinical testing. Allele origin: germline. Not counted in ClinVar's aggregate classification.
Comment: For these reasons, this variant has been classified as Pathogenic. Loss-of-function variants in BRCA2 are known to be pathogenic (PMID: 20104584). This variant has been observed in an individual with breast cancer (PMID: 28294317). ClinVar contains an entry for this variant (Variation ID: 373829). This variant is not present in population databases (ExAC no frequency). This sequence change creates a premature translational stop signal (p.Gln2184*) in the BRCA2 gene. It is expected to result in an absent or disrupted protein product.

Clinical and Functional Genomics Group, A.C.Camargo Cancer Center
Classification: Uncertain significance for Breast Cancer. Review status: criteria provided, single submitter. Criteria: Carraro et al. (PLoS One. 2013). Collection method: research. Allele origin: germline. Affected: yes. Not counted in ClinVar's aggregate classification.

Literature cited by the submitters: PubMed 28294317 (cited by Ambry Genetics and Labcorp Genetics (formerly Invitae), Labcorp); PubMed 20104584 (cited by Labcorp Genetics (formerly Invitae), Labcorp); PubMed 24884479 (cited by Clinical and Functional Genomics Group, A.C.Camargo Cancer Center).

NM_000059.4(BRCA2):c.6550C>T (p.Gln2184Ter)

Gene: BRCA2 (BRCA2 DNA repair associated; plus strand). Cytogenetic location: 13q13.1.
Variant type: single nucleotide variant.
Coding change: c.6550C>T on transcript NM_000059.4 (MANE Select); coding-DNA position 6550, C replaced by T.
Protein change: p.Gln2184Ter; replaces glutamine 2184 with a stop codon.
Molecular consequence: nonsense.
Genome position (GRCh38, 1-based): chr13:32,340,905, C>T. VCF-style: chr13-32340905-C-T. GRCh37 (hg19) VCF-style: chr13-32915042-C-T.
Other names: short protein forms Q2184*.
Identifiers: ClinVar variation 373829 (VCV000373829.14), dbSNP rs80358887, ClinGen allele CA16043340.